The following is an entry in ClinVar:

ClinVar aggregate classification (germline): Benign (3 of 4 stars; one submission).

Conditions:
Breast-ovarian cancer, familial, susceptibility to, 2 (BROVCA2). Also called: BRCA2 Hereditary Breast and Ovarian Cancer. Identifiers: Orphanet 145, MedGen C2675520, MONDO:0012933, OMIM 612555. Disease mechanism: loss of function.

Allele frequency attached by ClinVar (database versions not stated): TOPMed 0.50555; 1000 Genomes Project 0.50958; gnomAD 0.51578 and 0.51598.
gnomAD v4.1: 77,883 of 151,174 alleles (52%); highest among the groups gnomAD compares: East Asian, 57%; 20,085 homozygotes.

Submission:

Evidence-based Network for the Interpretation of Germline Mutant Alleles (ENIGMA)
Classification: Benign for Breast-ovarian cancer, familial 2. Last evaluated: 2015-01-12. Review status: reviewed by expert panel. Criteria: ENIGMA BRCA1/2 Classification Criteria (2015). Collection method: curation. Allele origin: germline.
Comment: Class 1 not pathogenic based on frequency >1% in an outbred sampleset. Frequency 0.549 (Asian), 0.502 (African), 0.5383 (European), derived from 1000 genomes (2012-04-30).

NM_000059.4(BRCA2):c.8633-550A>G

Gene: BRCA2 (BRCA2 DNA repair associated; plus strand). Cytogenetic location: 13q13.1.
Variant type: single nucleotide variant.
Coding change: c.8633-550A>G on transcript NM_000059.4 (MANE Select); 550 bases into the intron before coding-DNA position 8633, A replaced by G.
Molecular consequence: intron variant.
Genome position (GRCh38, 1-based): chr13:32,376,120, A>G. VCF-style: chr13-32376120-A-G. GRCh37 (hg19) VCF-style: chr13-32950257-A-G.
Other names: IVS 20-550A>G.
Identifiers: ClinVar variation 209948 (VCV000209948.1), dbSNP rs9534323, ClinGen allele CA276915.
Genomic context (GRCh38, chr13:32,376,120, plus strand): 5'-ACAAACCTTCAATTTGTGTTTTTAAAAAAATGCAGTATCTATGAAACTCAGTGAAGTGAA[A>G]TACATTAAAACAAATATACCTATGTTAACTCACATATTACTGTAATTAAACTCTGTATGA-3'